The following is an entry in ClinVar:

NM_001163435.3(TBCK):c.1783_1786del (p.Thr595fs)

Gene: TBCK (TBC1 domain containing kinase; minus strand). Cytogenetic location: 4q24.
Variant type: Deletion.
Coding change: c.1783_1786del on transcript NM_001163435.3 (MANE Select); coding-DNA positions 1783 to 1786, 4 bases deleted (ACTG; older notation c.1783_1786delACTG).
Protein change: p.Thr595fs; shifts the reading frame from threonine 595.
Molecular consequence: frameshift variant.
Genome position (GRCh38, 1-based): chr4:106,212,824-106,212,827, CAGT deleted on the plus strand (ACTG on the coding strand, the reverse complement: TBCK is on the minus strand); deleting any 4 consecutive bases within chr4:106,212,824-106,212,830 gives the same sequence; the c. name uses the placement nearest the transcript's 3' end. VCF-style (leftmost placement, unchanged base first): chr4-106212823-ACAGT-A. GRCh37 (hg19) VCF-style: chr4-107133980-ACAGT-A.
Other names: NM_033115.5:c.1594_1597del; c.1783_1786del, p.Thr595fs (NM_001163436.4); c.1666_1669del, p.Thr556fs (NM_001163437.3); c.1267_1270del, p.Thr423fs (NM_001290768.2); c.1594_1597del, p.Thr532fs (NM_033115.5); short protein forms T423fs, T532fs, T556fs, T595fs.
Identifiers: ClinVar variation 3777004 (VCV003777004.1).

ClinVar aggregate classification (germline): Likely pathogenic (1 of 4 stars; one submission).

Conditions:
Hypotonia, infantile, with psychomotor retardation and characteristic facies 3 (IHPRF3). Also called: TBCK-Related Neurodevelopmental Disorder. Identifiers: Orphanet 488632, MedGen C5567480, MONDO:0014823, OMIM 616900.

Submission:

Broad Center for Mendelian Genomics, Broad Institute of MIT and Harvard
Classification: Likely pathogenic for Hypotonia, infantile, with psychomotor retardation and characteristic facies 3. Last evaluated: 2025-01-13. Review status: criteria provided, single submitter. Criteria: ACMG Guidelines, 2015. Collection method: curation. Allele origin: germline. Inheritance: Autosomal recessive inheritance.
Comment: The p.Thr595erfsTer5 variant in TBCK has been reported in 1 individual with TBCK-related intellectual disability syndrome (PMID: 32959227), and has been identified in 0.00008% (1/1176454) of European (non-Finnish) chromosomes by the Genome Aggregation Database (gnomAD). Although this variant has been seen in the general population in a heterozygous state, its frequency is low enough to be consistent with a recessive carrier frequency. This variant is predicted to cause a frameshift, which alters the protein‚Äôs amino acid sequence beginning at position 595 and leads to a premature termination codon 5 amino acids downstream. This alteration is then predicted to lead to a truncated or absent protein. Loss of function of the TBCK gene is an established disease mechanism in autosomal recessive TBCK-related intellectual disability syndrome. In summary, although additional studies are required to fully establish its clinical significance, this variant is likely pathogenic for autosomal recessive TBCK-related intellectual disability syndrome. ACMG/AMP Criteria applied: PVS1, PM2_supporting (Richards 2015).